The following is an entry in ClinVar:

NM_000426.4(LAMA2):c.422T>C (p.Val141Ala)

Gene: LAMA2 (laminin subunit alpha 2; plus strand). Cytogenetic location: 6q22.33.
Variant type: single nucleotide variant.
Coding change: c.422T>C on transcript NM_000426.4 (MANE Select); coding-DNA position 422, T replaced by C.
Protein change: p.Val141Ala; replaces valine 141 with alanine.
Molecular consequence: missense variant.
Genome position (GRCh38, 1-based): chr6:129,098,198, T>C. VCF-style: chr6-129098198-T-C. GRCh37 (hg19) VCF-style: chr6-129419343-T-C.
Other names: c.422T>C, p.Val141Ala (NM_001079823.2); short protein forms V141A.
Identifiers: ClinVar variation 1926769 (VCV001926769.2), dbSNP rs2482427425, ClinGen allele CA365829095.

ClinVar aggregate classification (germline): Uncertain significance (1 of 4 stars; one submission).

Conditions:
LAMA2-related muscular dystrophy (LAMA2-RD). Also called: Laminin alpha 2-related dystrophy. Identifiers: MedGen C5679788, MONDO:0100228.

Allele frequency attached by ClinVar (database versions not stated): gnomAD exomes below 0.00001.
gnomAD v4.1: 1 of 1,614,152 alleles (0.000062%); highest among the groups gnomAD compares: East Asian, 0.0022%; no homozygotes.

Submission:

Labcorp Genetics (formerly Invitae), Labcorp
Classification: Uncertain significance for LAMA2-related muscular dystrophy. Last evaluated: 2022-01-13. Review status: criteria provided, single submitter. Criteria: Invitae Variant Classification Sherloc (09022015). Collection method: clinical testing. Allele origin: germline.
Comment: This sequence change replaces valine, which is neutral and non-polar, with alanine, which is neutral and non-polar, at codon 141 of the LAMA2 protein (p.Val141Ala). This variant is not present in population databases (gnomAD no frequency). This variant has not been reported in the literature in individuals affected with LAMA2-related conditions. Advanced modeling of protein sequence and biophysical properties (such as structural, functional, and spatial information, amino acid conservation, physicochemical variation, residue mobility, and thermodynamic stability) performed at Invitae indicates that this missense variant is not expected to disrupt LAMA2 protein function. In summary, the available evidence is currently insufficient to determine the role of this variant in disease. Therefore, it has been classified as a Variant of Uncertain Significance.